The following is an entry in ClinVar:

NM_173076.3(ABCA12):c.7283T>C (p.Leu2428Pro)

Genes: ABCA12 (ATP binding cassette subfamily A member 12; minus strand), SNHG31 (small nucleolar RNA host gene 31; plus strand). Cytogenetic location: 2q35.
Variant type: single nucleotide variant.
Coding change: c.7283T>C on transcript NM_173076.3 (MANE Select); coding-DNA position 7283, T replaced by C.
Protein change: p.Leu2428Pro; replaces leucine 2428 with proline.
Molecular consequence: missense variant. On other transcripts: non-coding transcript variant (1).
Genome position (GRCh38, 1-based): chr2:214,945,061, A>G on the plus strand (T>C on the coding strand, the complement: ABCA12 is on the minus strand). VCF-style: chr2-214945061-A-G. GRCh37 (hg19) VCF-style: chr2-215809785-A-G.
Other names: c.6329T>C, p.Leu2110Pro (NM_015657.4); short protein forms L2110P, L2428P.
Identifiers: ClinVar variation 3907403 (VCV003907403.1).
Genomic context (GRCh38, chr2:214,945,061, plus strand): 5'-CTGTGAGATGTGAGGATGACGGAACATTTGTTCTGTACTTCTTCTGAAATGATCTTCCAG[A>G]GGTGCCGTTTCGACTTCGGATCCATGCCAGAGCTCGGCTCATCCTTAATAGAAAGTTACA-3'
Protein context (NP_775099.2, residues 2418-2438): SGMDPKSKRH[Leu2428Pro]WKIISEEVQN

ClinVar aggregate classification (germline): Uncertain significance (1 of 4 stars; one submission).

gnomAD v4.1: 1 of 1,613,818 alleles (0.000062%); highest among the groups gnomAD compares: Admixed American, 0.0017%; no homozygotes.

Submission:

Women's Health and Genetics/Laboratory Corporation of America, LabCorp
Classification: Uncertain significance. Last evaluated: 2025-06-04. Review status: criteria provided, single submitter. Criteria: LabCorp Variant Classification Summary - May 2015. Collection method: clinical testing. Allele origin: germline.
Comment: Variant summary: ABCA12 c.7283T>C (p.Leu2428Pro) results in a non-conservative amino acid change in the encoded protein sequence. Algorithms developed to predict the effect of missense changes on protein structure and function all suggest that this variant is likely to be disruptive. The variant was absent in 250918 control chromosomes. The available data on variant occurrences in the general population are insufficient to allow any conclusion about variant significance. c.7283T>C has been observed at least once in a cohort of individuals affected with Ichthyosis (Sun_2022). This report does not provide unequivocal conclusions about association of the variant with Lamellar Ichthyosis. To our knowledge, no experimental evidence demonstrating an impact on protein function has been reported. The following publication have been ascertained in the context of this evaluation (PMID: 34851365). No submitters have cited clinical-significance assessments for this variant to ClinVar. Based on the evidence outlined above, the variant was classified as uncertain significance.

Literature cited by the submitters: PubMed 34851365.